The following is an entry in ClinVar:

NM_000019.4(ACAT1):c.914A>G (p.Asn305Ser)

Gene: ACAT1 (acetyl-CoA acetyltransferase 1; plus strand). Cytogenetic location: 11q22.3.
Variant type: single nucleotide variant.
Coding change: c.914A>G on transcript NM_000019.4 (MANE Select); coding-DNA position 914, A replaced by G.
Protein change: p.Asn305Ser; replaces asparagine 305 with serine.
Molecular consequence: missense variant. On other transcripts: non-coding transcript variant (2).
Genome position (GRCh38, 1-based): chr11:108,142,524, A>G. VCF-style: chr11-108142524-A-G. GRCh37 (hg19) VCF-style: chr11-108013251-A-G.
Other names: c.914A>G, p.Asn305Ser (NM_001386677.1); c.599A>G, p.Asn200Ser (NM_001386678.1); c.617A>G, p.Asn206Ser (NM_001386679.1); c.644A>G, p.Asn215Ser (NM_001386681.1, NM_001386682.1, NM_001386685.1 and 6 more transcripts); short protein forms N200S, N206S, N305S, N215S.
Identifiers: ClinVar variation 1405589 (VCV001405589.4), dbSNP rs562043215, ClinGen allele CA6263249.

ClinVar aggregate classification (germline): Uncertain significance (1 of 4 stars; one submission).

Conditions:
Deficiency of acetyl-CoA acetyltransferase. Also called: MITOCHONDRIAL ACETOACETYL-CoA THIOLASE DEFICIENCY; 3-KETOTHIOLASE DEFICIENCY; 3-OXOTHIOLASE DEFICIENCY; Beta-ketothiolase deficiency. Identifiers: Orphanet 134, MedGen C1536500, MONDO:0008760, OMIM 203750. Disease mechanism: loss of function.

Allele frequency attached by ClinVar (database versions not stated): gnomAD 0.00001 and 0.00004; ExAC 0.00002; gnomAD exomes 0.00002; TOPMed 0.00002; 1000 Genomes Project 30x 0.00016; 1000 Genomes Project 0.00020.
gnomAD v4.1: 39 of 1,614,156 alleles (0.0024%); highest among the groups gnomAD compares: East Asian, 0.0089%; no homozygotes.

Submission:

Labcorp Genetics (formerly Invitae), Labcorp
Classification: Uncertain significance for Deficiency of acetyl-CoA acetyltransferase. Last evaluated: 2025-02-10. Review status: criteria provided, single submitter. Criteria: Invitae Variant Classification Sherloc (09022015). Collection method: clinical testing. Allele origin: germline.
Comment: This sequence change replaces asparagine, which is neutral and polar, with serine, which is neutral and polar, at codon 305 of the ACAT1 protein (p.Asn305Ser). This variant is present in population databases (rs562043215, gnomAD 0.006%). This variant has not been reported in the literature in individuals affected with ACAT1-related conditions. ClinVar contains an entry for this variant (Variation ID: 1405589). Invitae Evidence Modeling of protein sequence and biophysical properties (such as structural, functional, and spatial information, amino acid conservation, physicochemical variation, residue mobility, and thermodynamic stability) indicates that this missense variant is not expected to disrupt ACAT1 protein function with a negative predictive value of 95%. In summary, the available evidence is currently insufficient to determine the role of this variant in disease. Therefore, it has been classified as a Variant of Uncertain Significance.